The following is an entry in ClinVar:

ClinVar aggregate classification (germline): Uncertain significance (1 of 4 stars; one submission).

Conditions:
Familial thoracic aortic aneurysm and aortic dissection (TAAD). Also called: Thoracic aortic aneurysms and dissections. Identifiers: Orphanet 91387, MedGen C4707243, MONDO:0019625.

Submission:

Labcorp Genetics (formerly Invitae), Labcorp
Classification: Uncertain significance for Familial thoracic aortic aneurysm and aortic dissection. Last evaluated: 2023-07-13. Review status: criteria provided, single submitter. Criteria: Invitae Variant Classification Sherloc (09022015). Collection method: clinical testing. Allele origin: germline.
Comment: In summary, the available evidence is currently insufficient to determine the role of this variant in disease. Therefore, it has been classified as a Variant of Uncertain Significance. Advanced modeling of protein sequence and biophysical properties (such as structural, functional, and spatial information, amino acid conservation, physicochemical variation, residue mobility, and thermodynamic stability) performed at Invitae indicates that this missense variant is expected to disrupt TGFBR2 protein function. ClinVar contains an entry for this variant (Variation ID: 180540). This variant has not been reported in the literature in individuals affected with TGFBR2-related conditions. This variant is not present in population databases (gnomAD no frequency). This sequence change replaces alanine, which is neutral and non-polar, with valine, which is neutral and non-polar, at codon 426 of the TGFBR2 protein (p.Ala426Val).

NM_003242.6(TGFBR2):c.1277C>T (p.Ala426Val)

Gene: TGFBR2 (transforming growth factor beta receptor 2; plus strand). Cytogenetic location: 3p24.1.
Variant type: single nucleotide variant.
Coding change: c.1277C>T on transcript NM_003242.6 (MANE Select); coding-DNA position 1277, C replaced by T.
Protein change: p.Ala426Val; replaces alanine 426 with valine.
Molecular consequence: missense variant.
Genome position (GRCh38, 1-based): chr3:30,674,127, C>T. VCF-style: chr3-30674127-C-T. GRCh37 (hg19) VCF-style: chr3-30715619-C-T.
Other names: c.1352C>T, p.Ala451Val (NM_001024847.3); c.1460C>T, p.Ala487Val (NM_001407126.1); c.1385C>T, p.Ala462Val (NM_001407127.1); c.1304C>T, p.Ala435Val (NM_001407128.1); c.1280C>T, p.Ala427Val (NM_001407129.1); c.1277C>T, p.Ala426Val (NM_001407130.1); c.1172C>T, p.Ala391Val (NM_001407132.1, NM_001407133.1, NM_001407134.1 and 2 more transcripts); c.992C>T, p.Ala331Val (NM_001407137.1); and 1 more; short protein forms A426V, A451V, A462V, A306V, A427V, A487V, A331V, A391V.
Identifiers: ClinVar variation 180540 (VCV000180540.5), dbSNP rs730880224, ClinGen allele CA020644.